The following is an entry in ClinVar:

ClinVar aggregate classification (germline): Pathogenic (1 of 4 stars; one submission).

Conditions:
Cystic fibrosis (CF). Also called: MUCOVISCIDOSIS. Identifiers: Orphanet 586, MedGen C0010674, MONDO:0009061, OMIM 219700. Disease mechanism: loss of function.

Submission:

Institute of Human Genetics, University of Leipzig Medical Center
Classification: Pathogenic for Cystic fibrosis. Last evaluated: 2022-09-05. Review status: criteria provided, single submitter. Criteria: ACMG Guidelines, 2015. Collection method: curation. Allele origin: unknown. Affected: yes. Observed: 11 variant alleles.
Comment: This variant was identified in 11 unrelated patients with a clinically confirmed diagnosis of cystic fibrosis. The variant was classified in the context of a project re-classifying variants in the German Cystic Fibrosis Registry (Muko.e.V.). Criteria applied: PM4_STR, PM2_SUP, PM3_STR, PP4

NM_000492.4:c.(2988+1_2989-1)_(3468+1_3469-1)del

Gene: CFTR (CF transmembrane conductance regulator; plus strand).
Variant type: Deletion.
Other names: CFTRdele17a-18; c.(2988+1_2989-1)_(3468+1_3469-1)del (NM_000492.4).
Identifiers: ClinVar variation 1705983 (VCV001705983.1).